The following is an entry in ClinVar:

ClinVar aggregate classification (germline): Uncertain significance (1 of 4 stars; one submission).

gnomAD v4.1: 1 of 1,613,946 alleles (0.000062%); highest among the groups gnomAD compares: African/African-American, 0.0013%; no homozygotes.

Submission:

Dasa
Classification: Uncertain significance. Last evaluated: 2025-08-17. Review status: criteria provided, single submitter. Criteria: DASA Assertion Criteria. Collection method: clinical testing. Allele origin: germline.
Comment: NM_000093.5(COL5A1):c.1807G>C (p.Ala603Pro) is a missense variant that results in the substitution of alanine with proline. This variant is rare in population databases. The currently available literature and clinical evidence are not sufficient to establish a definitive association between this variant and the reported condition. Therefore, this variant is classified as a variant of uncertain significance.

NM_000093.5(COL5A1):c.1807G>C (p.Ala603Pro)

Gene: COL5A1 (collagen type V alpha 1 chain; plus strand). Cytogenetic location: 9q34.3.
Variant type: single nucleotide variant.
Coding change: c.1807G>C on transcript NM_000093.5 (MANE Select); coding-DNA position 1807, G replaced by C.
Protein change: p.Ala603Pro; replaces alanine 603 with proline.
Molecular consequence: missense variant.
Genome position (GRCh38, 1-based): chr9:134,754,306, G>C. VCF-style: chr9-134754306-G-C. GRCh37 (hg19) VCF-style: chr9-137646152-G-C.
Other names: c.1807G>C, p.Ala603Pro (NM_001278074.1); short protein forms A603P.
Identifiers: ClinVar variation 4881467 (VCV004881467.2).